The following is an entry in ClinVar:

NM_182961.4(SYNE1):c.8504_8505del (p.Val2835fs)

Genes: SYNE1 (spectrin repeat containing nuclear envelope protein 1; minus strand), LOC126859838 (CDK7 strongly-dependent group 2 enhancer GRCh37_chr6:152706655-152707854; plus strand). Cytogenetic location: 6q25.2.
Variant type: Deletion.
Coding change: c.8504_8505del on transcript NM_182961.4 (MANE Select); coding-DNA positions 8504 to 8505, 2 bases deleted (TG; older notation c.8504_8505delTG).
Protein change: p.Val2835fs; shifts the reading frame from valine 2835.
Molecular consequence: frameshift variant.
Genome position (GRCh38, 1-based): chr6:152,385,821-152,385,822, CA deleted on the plus strand (TG on the coding strand, the reverse complement: SYNE1 is on the minus strand); deleting any 2 consecutive bases within chr6:152,385,821-152,385,823 gives the same sequence; the c. name uses the placement nearest the transcript's 3' end. VCF-style (leftmost placement, unchanged base first): chr6-152385820-CCA-C. GRCh37 (hg19) VCF-style: chr6-152706955-CCA-C.
Other names: c.8525_8526del, p.Val2842fs (NM_033071.5); short protein forms V2835fs, V2842fs.
Identifiers: ClinVar variation 4850284 (VCV004850284.1).

ClinVar aggregate classification (germline): Likely pathogenic (1 of 4 stars; one submission).

Conditions:
Arthrogryposis multiplex congenita 3, myogenic type. Also called: ARTHROGRYPOSIS MULTIPLEX CONGENITA, MYOGENIC TYPE. Identifiers: MedGen C5193121, MONDO:0032778, OMIM 618484.
Autosomal recessive ataxia, Beauce type. Also called: Spinocerebellar ataxia, autosomal recessive 8; ATAXIA, RECESSIVE, OF BEAUCE; SYNE1 Deficiency; SYNE1-Related Autosomal Recessive Cerebellar Ataxia. Identifiers: Orphanet 88644, MedGen C1853116, MONDO:0012549, OMIM 610743.

Submission:

First Genomix Gene Laboratory, Genetic Diagnostics Department
Classification: Likely pathogenic for Arthrogryposis multiplex congenita 3, myogenic type; Autosomal recessive ataxia, Beauce type. Last evaluated: 2025-09-04. Review status: criteria provided, single submitter. Criteria: ACMG Guidelines, 2015. Collection method: clinical testing. Allele origin: germline. Inheritance: Autosomal recessive inheritance. Affected: no. Observed: 1 variant allele.